The following is an entry in ClinVar:

ClinVar aggregate classification (germline): Likely benign. Review status: criteria provided, multiple submitters, no conflicts (2 of 4 stars). 2 submissions from 2 submitters: Likely benign (2). Last evaluated 2026-04-22.

Conditions:
Cardiovascular phenotype. Identifiers: MedGen CN230736.
SOS1-related disorder. Also called: SOS1-related condition.

Submissions (2):

PreventionGenetics, part of Exact Sciences
Classification: Likely benign for SOS1-related condition. Last evaluated: 2026-04-22. Review status: criteria provided, single submitter. Criteria: ACMG Guidelines, 2015. Collection method: clinical testing. Allele origin: germline.
Comment: This variant is classified as likely benign based on ACMG/AMP sequence variant interpretation guidelines (Richards et al. 2015 PMID: 25741868, with internal and published modifications).

Ambry Genetics
Classification: Likely benign for Cardiovascular phenotype. Last evaluated: 2024-10-22. Review status: criteria provided, single submitter. Criteria: Ambry Variant Classification Scheme 2023. Collection method: clinical testing. Allele origin: germline.

NM_005633.4(SOS1):c.2848A>C (p.Arg950=)

Gene: SOS1 (SOS Ras/Rac guanine nucleotide exchange factor 1; minus strand). Cytogenetic location: 2p22.1.
Variant type: single nucleotide variant.
Coding change: c.2848A>C on transcript NM_005633.4 (MANE Select); coding-DNA position 2848, A replaced by C.
Protein change: p.Arg950=; no amino-acid change (arginine 950 retained).
Molecular consequence: synonymous variant.
Genome position (GRCh38, 1-based): chr2:38,997,369, T>G on the plus strand (A>C on the coding strand, the complement: SOS1 is on the minus strand). VCF-style: chr2-38997369-T-G. GRCh37 (hg19) VCF-style: chr2-39224510-T-G.
Other names: c.2827A>C, p.Arg943= (NM_001382394.1); c.2848A>C, p.Arg950= (NM_001382395.1).
Identifiers: ClinVar variation 3447327 (VCV003447327.2).